The following is an entry in ClinVar:

ClinVar aggregate classification (germline): Uncertain significance (1 of 4 stars; one submission).

gnomAD v4.1: 24 of 1,612,300 alleles (0.0015%); highest among the groups gnomAD compares: Non-Finnish European, 0.0018%; no homozygotes.

Submission:

CeGaT Center for Human Genetics Tuebingen
Classification: Uncertain significance. Last evaluated: 2025-11-01. Review status: criteria provided, single submitter. Criteria: CeGaT Center For Human Genetics Tuebingen Variant Classification Criteria Version 2. Collection method: clinical testing. Allele origin: germline. Affected: yes. Observed: 1 variant allele.
Comment: MYH7B: PM2, PP3

NM_020884.7(MYH7B):c.342+5G>A

Gene: MYH7B (myosin heavy chain 7B; plus strand). Cytogenetic location: 20q11.22.
Variant type: single nucleotide variant.
Coding change: c.342+5G>A on transcript NM_020884.7 (MANE Select); 5 bases into the intron after coding-DNA position 342, G replaced by A.
Molecular consequence: intron variant.
Genome position (GRCh38, 1-based): chr20:34,979,809, G>A. VCF-style: chr20-34979809-G-A. GRCh37 (hg19) VCF-style: chr20-33567612-G-A.
Identifiers: ClinVar variation 4534606 (VCV004534606.6).